The following is an entry in ClinVar:

NM_001330360.2(POLA1):c.3331C>T (p.Arg1111Trp)

Gene: POLA1 (DNA polymerase alpha 1, catalytic subunit; plus strand). Cytogenetic location: Xp22.11.
Variant type: single nucleotide variant.
Coding change: c.3331C>T on transcript NM_001330360.2 (MANE Select); coding-DNA position 3331, C replaced by T.
Protein change: p.Arg1111Trp; replaces arginine 1111 with tryptophan.
Molecular consequence: missense variant. On other transcripts: non-coding transcript variant (2).
Genome position (GRCh38, 1-based): chrX:24,815,013, C>T. VCF-style: chrX-24815013-C-T. GRCh37 (hg19) VCF-style: chrX-24833130-C-T.
Other names: c.3256C>T, p.Arg1086Trp (NM_001378303.1); c.3313C>T, p.Arg1105Trp (NM_016937.4); short protein forms R1086W, R1105W, R1111W.
Identifiers: ClinVar variation 3709191 (VCV003709191.2).
Genomic context (GRCh38, chrX:24,815,013, plus strand): 5'-TTTTGTTTTTTTTTTTTTTTTTGCAGCTTTGTGATTGGCCAGATTCTTTCTGATCAAAGC[C>T]GGGACACTATAGTGGAAAACATTCAGAAGAGGCTGATAGAAATTGGAGAAAATGTGCTAA-3'
Protein context (NP_001317289.1, residues 1101-1121): VIGQILSDQS[Arg1111Trp]DTIVENIQKR

ClinVar aggregate classification (germline): Uncertain significance (1 of 4 stars; one submission).

gnomAD v4.1: 7 of 1,178,004 alleles (0.00059%); highest among the groups gnomAD compares: Non-Finnish European, 0.0008%; no homozygotes.

Submission:

Labcorp Genetics (formerly Invitae), Labcorp
Classification: Uncertain significance. Last evaluated: 2024-05-02. Review status: criteria provided, single submitter. Criteria: Invitae Variant Classification Sherloc (09022015). Collection method: clinical testing. Allele origin: germline.
Comment: This sequence change replaces arginine, which is basic and polar, with tryptophan, which is neutral and slightly polar, at codon 1105 of the POLA1 protein (p.Arg1105Trp). The frequency data for this variant in the population databases is considered unreliable, as metrics indicate poor data quality at this position in the gnomAD database. This variant has not been reported in the literature in individuals affected with POLA1-related conditions. Advanced modeling of protein sequence and biophysical properties (such as structural, functional, and spatial information, amino acid conservation, physicochemical variation, residue mobility, and thermodynamic stability) performed at Invitae indicates that this missense variant is expected to disrupt POLA1 protein function with a positive predictive value of 80%. In summary, the available evidence is currently insufficient to determine the role of this variant in disease. Therefore, it has been classified as a Variant of Uncertain Significance.